The following is an entry in ClinVar:

ClinVar aggregate classification (germline): Likely benign (1 of 4 stars; one submission).

Allele frequency attached by ClinVar (database versions not stated): 1000 Genomes Project 0.00180; ESP Exome Variant Server 0.00246; gnomAD exomes 0.00346; TOPMed 0.00147; 1000 Genomes Project 30x 0.00156; gnomAD 0.00434; ExAC 0.00487.
gnomAD v4.1: 5,216 of 1,486,846 alleles (0.35%); highest among the groups gnomAD compares: Non-Finnish European, 0.29%; 51 homozygotes.

Submission:

CeGaT Center for Human Genetics Tuebingen
Classification: Likely benign. Last evaluated: 2022-12-01. Review status: criteria provided, single submitter. Criteria: CeGaT Center For Human Genetics Tuebingen Variant Classification Criteria Version 2. Collection method: clinical testing. Allele origin: germline. Affected: yes. Observed: 1 variant allele.
Comment: KBTBD3: BS2

NM_198439.3(KBTBD3):c.-12-7A>G

Gene: KBTBD3 (kelch repeat and BTB domain containing 3; minus strand). Cytogenetic location: 11q22.3.
Variant type: single nucleotide variant.
Coding change: c.-12-7A>G on transcript NM_198439.3 (MANE Select); 7 bases into the intron before 12 bases upstream of the start codon, A replaced by G.
Molecular consequence: intron variant.
Genome position (GRCh38, 1-based): chr11:106,059,116, T>C on the plus strand (A>G on the coding strand, the complement: KBTBD3 is on the minus strand). VCF-style: chr11-106059116-T-C. GRCh37 (hg19) VCF-style: chr11-105929843-T-C.
Other names: c.-12-7A>G (NM_152433.4); c.-4-4661A>G (NM_001330359.2).
Identifiers: ClinVar variation 2642347 (VCV002642347.24), dbSNP rs139872963, ClinGen allele CA6259434.
Genomic context (GRCh38, chr11:106,059,116, plus strand): 5'-TCGTTGATTGAAAGCATATGAATTATCCATAGCCAATTCCATATGTCCTTAGAACTAGAA[T>C]AAAAACAAAATCACCGATGTAGTAGAGACCTAATGCAAGTTTCAGACTCCAAAATTCGCC-3'